The following is an entry in ClinVar:

NM_004360.5(CDH1):c.1423G>A (p.Val475Met)

Gene: CDH1 (cadherin 1; plus strand). Cytogenetic location: 16q22.1.
Variant type: single nucleotide variant.
Coding change: c.1423G>A on transcript NM_004360.5 (MANE Select); coding-DNA position 1423, G replaced by A.
Protein change: p.Val475Met; replaces valine 475 with methionine.
Molecular consequence: missense variant. On other transcripts: 5 prime UTR variant (2).
Genome position (GRCh38, 1-based): chr16:68,815,617, G>A. VCF-style: chr16-68815617-G-A. GRCh37 (hg19) VCF-style: chr16-68849520-G-A.
Other names: c.1240G>A, p.Val414Met (NM_001317184.2); c.-126G>A (NM_001317185.2); c.-397G>A (NM_001317186.2); c.1423G>A (LRG_301t1); short protein forms V475M, V414M.
Identifiers: ClinVar variation 141920 (VCV000141920.27), dbSNP rs587782113, ClinGen allele CA166787.

ClinVar aggregate classification (germline): Conflicting classifications of pathogenicity. Review status: criteria provided, conflicting classifications (1 of 4 stars). 6 submissions from 6 submitters: Uncertain significance (5); Likely benign (1). Last evaluated 2026-01-02.

Conditions:
Hereditary cancer-predisposing syndrome. Also called: Neoplastic Syndromes, Hereditary; Hereditary Cancer Syndrome; Tumor predisposition; Hereditary neoplastic syndrome. Identifiers: Orphanet 140162, MedGen C0027672, MeSH D009386, MONDO:0015356.
Hereditary diffuse gastric adenocarcinoma (HDGC). Also called: DIFFUSE GASTRIC AND LOBULAR BREAST CANCER SYNDROME. Identifiers: Orphanet 26106, MedGen C1708349, MONDO:0007648, OMIM 137215.

Allele frequency attached by ClinVar (database versions not stated): ExAC 0.00002; gnomAD exomes 0.00001 and 0.00002; TOPMed 0.00003.

Submissions (6):

Labcorp Genetics (formerly Invitae), Labcorp
Classification: Uncertain significance for Hereditary diffuse gastric adenocarcinoma. Last evaluated: 2026-01-02. Review status: criteria provided, single submitter. Criteria: Invitae Variant Classification Sherloc (09022015). Collection method: clinical testing. Allele origin: germline.
Comment: This sequence change replaces valine, which is neutral and non-polar, with methionine, which is neutral and non-polar, at codon 475 of the CDH1 protein (p.Val475Met). This variant is present in population databases (rs587782113, gnomAD 0.01%). This missense change has been observed in individual(s) with breast cancer (PMID: 30287823, 31206626). ClinVar contains an entry for this variant (Variation ID: 141920). An algorithm developed to predict the effect of missense changes on protein structure and function (PolyPhen-2) suggests that this variant is likely to be disruptive. In summary, the available evidence is currently insufficient to determine the role of this variant in disease. Therefore, it has been classified as a Variant of Uncertain Significance.

Women's Health and Genetics/Laboratory Corporation of America, LabCorp
Classification: Uncertain significance. Last evaluated: 2024-11-21. Review status: criteria provided, single submitter. Criteria: LabCorp Variant Classification Summary - May 2015. Collection method: clinical testing. Allele origin: germline.
Comment: Variant summary: CDH1 c.1423G>A (p.Val475Met) results in a conservative amino acid change in the encoded protein sequence. Four of five in-silico tools predict a damaging effect of the variant on protein function. The variant allele was found at a frequency of 2e-05 in 251484 control chromosomes, predominantly at a frequency of 0.00012 within the Latino subpopulation in the gnomAD database. The available data on variant occurrences in the general population are insufficient to allow any conclusion about variant significance. c.1423G>A has been reported in the literature in individuals affected with breast cancer and in unaffected controls (example, Momozawa_2018, Weitzel_2019) and as a presumed somatic variant in small intestinal-type high-grade adenoma (example, Ota_2020). The variant was also reported only in the control cohort, not in the case cohort in a large case-control study for Biliary tract cancer (Okawa_2023). These report(s) do not provide unequivocal conclusions about association of the variant with Breast Cancer. To our knowledge, no experimental evidence demonstrating an impact on protein function has been reported. The following publications have been ascertained in the context of this evaluation (PMID: 30287823, 36243179, 32770675, 31206626). ClinVar contains an entry for this variant (Variation ID: 141920). Based on the evidence outlined above, the variant was classified as uncertain significance.

GeneDx
Classification: Uncertain significance. Last evaluated: 2024-01-21. Review status: criteria provided, single submitter. Criteria: GeneDx Variant Classification Process June 2021. Collection method: clinical testing. Allele origin: germline.
Comment: Not observed at significant frequency in large population cohorts (gnomAD); In silico analysis supports that this missense variant has a deleterious effect on protein structure/function; This variant is associated with the following publications: (PMID: 22810696, 34426522, 32770675, 15235021, 22850631, 36605468, 30287823, 31206626, 33332384, 33471991, 36243179)

Color Diagnostics, LLC DBA Color Health
Classification: Uncertain significance for Hereditary cancer-predisposing syndrome. Last evaluated: 2023-08-28. Review status: criteria provided, single submitter. Criteria: ACMG Guidelines, 2015. Collection method: clinical testing. Allele origin: germline.
Comment: This missense variant replaces valine with methionine at codon 475 of the CDH1 protein. To our knowledge, functional studies have not been reported for this variant. This variant has not been reported in individuals affected with CDH1-related disorders in the literature. This variant has been identified in 5/251484 chromosomes in the general population by the Genome Aggregation Database (gnomAD). The available evidence is insufficient to determine the role of this variant in disease conclusively. Therefore, this variant is classified as a Variant of Uncertain Significance.

Quest Diagnostics Nichols Institute San Juan Capistrano
Classification: Uncertain significance. Last evaluated: 2022-10-28. Review status: criteria provided, single submitter. Criteria: Quest Diagnostics criteria. Collection method: clinical testing. Allele origin: unknown.
Comment: The frequency of this variant in the general population, 0.00012 (4/34592 chromosomes in Latino/Admixed American subpopulation), is higher than would generally be expected for pathogenic variants in this gene. In the published literature, the variant has been reported in individuals with breast cancer (PMID: 30287823 (2018), 31206626 (2019)), and in unaffected individuals (PMID: 30287823 (2018), 33471991 (2021), see also LOVD). Analysis of this variant using bioinformatics tools for the prediction of the effect of amino acid changes on protein structure and function yielded predictions that this variant is damaging. Based on the available information, we are unable to determine the clinical significance of this variant.

Ambry Genetics
Classification: Likely benign for Hereditary cancer-predisposing syndrome. Last evaluated: 2022-07-14. Review status: criteria provided, single submitter. Criteria: Ambry Variant Classification Scheme 2023. Collection method: clinical testing. Allele origin: germline.

Literature cited by the submitters: PubMed 30287823 (cited by 4 submitters); PubMed 31206626 (cited by 4 submitters); PubMed 32770675 (cited by Women's Health and Genetics/Laboratory Corporation of America, LabCorp); PubMed 36243179 (cited by Women's Health and Genetics/Laboratory Corporation of America, LabCorp); PubMed 33471991 (cited by Quest Diagnostics Nichols Institute San Juan Capistrano); PubMed 33332384 (cited by Ambry Genetics); PubMed 34426522 (cited by Ambry Genetics).